The following is an entry in ClinVar:

ClinVar aggregate classification (germline): Uncertain significance (1 of 4 stars; one submission).

Allele frequency attached by ClinVar (database versions not stated): gnomAD exomes below 0.00001.

Submission:

Labcorp Genetics (formerly Invitae), Labcorp
Classification: Uncertain significance. Last evaluated: 2025-06-24. Review status: criteria provided, single submitter. Criteria: Invitae Variant Classification Sherloc (09022015). Collection method: clinical testing. Allele origin: germline.
Comment: This sequence change replaces threonine, which is neutral and polar, with methionine, which is neutral and non-polar, at codon 100 of the TAOK2 protein (p.Thr100Met). This variant is not present in population databases (gnomAD no frequency). This variant has not been reported in the literature in individuals affected with TAOK2-related conditions. ClinVar contains an entry for this variant (Variation ID: 1958534). An algorithm developed to predict the effect of missense changes on protein structure and function (PolyPhen-2) suggests that this variant is likely to be disruptive. In summary, the available evidence is currently insufficient to determine the role of this variant in disease. Therefore, it has been classified as a Variant of Uncertain Significance.

NM_016151.4(TAOK2):c.299C>T (p.Thr100Met)

Gene: TAOK2 (TAO kinase 2; plus strand). Cytogenetic location: 16p11.2.
Variant type: single nucleotide variant.
Coding change: c.299C>T on transcript NM_016151.4 (MANE Select); coding-DNA position 299, C replaced by T.
Protein change: p.Thr100Met; replaces threonine 100 with methionine.
Molecular consequence: missense variant.
Genome position (GRCh38, 1-based): chr16:29,978,346, C>T. VCF-style: chr16-29978346-C-T. GRCh37 (hg19) VCF-style: chr16-29989667-C-T.
Other names: c.299C>T, p.Thr100Met (NM_001252043.2, NM_004783.4); short protein forms T100M.
Identifiers: ClinVar variation 1958534 (VCV001958534.5), dbSNP rs1201123116, ClinGen allele CA395470594.